The following is an entry in ClinVar:

NM_020754.4(ARHGAP31):c.155A>G (p.Asp52Gly)

Gene: ARHGAP31 (Rho GTPase activating protein 31; plus strand). Cytogenetic location: 3q13.33.
Variant type: single nucleotide variant.
Coding change: c.155A>G on transcript NM_020754.4 (MANE Select); coding-DNA position 155, A replaced by G.
Protein change: p.Asp52Gly; replaces aspartic acid 52 with glycine.
Molecular consequence: missense variant.
Genome position (GRCh38, 1-based): chr3:119,365,370, A>G. VCF-style: chr3-119365370-A-G. GRCh37 (hg19) VCF-style: chr3-119084217-A-G.
Other names: short protein forms D52G.
Identifiers: ClinVar variation 3345122 (VCV003345122.1).

ClinVar aggregate classification (germline): Uncertain significance (0 of 4 stars; one submission).

Conditions:
ARHGAP31-related disorder. Also called: ARHGAP31-related condition.

Submission:

PreventionGenetics, part of Exact Sciences
Classification: Uncertain significance for ARHGAP31-related condition. Last evaluated: 2024-07-17. Review status: no assertion criteria provided. Collection method: clinical testing. Allele origin: germline.
Comment: The ARHGAP31 c.155A>G variant is predicted to result in the amino acid substitution p.Asp52Gly. To our knowledge, this variant has not been reported in the literature or in a large population database, indicating this variant is rare. At this time, the clinical significance of this variant is uncertain due to the absence of conclusive functional and genetic evidence.